The following is an entry in ClinVar:

NM_000059.4(BRCA2):c.4821_4822del (p.Glu1608fs)

Gene: BRCA2 (BRCA2 DNA repair associated; plus strand). Cytogenetic location: 13q13.1.
Variant type: Deletion.
Coding change: c.4821_4822del on transcript NM_000059.4 (MANE Select); coding-DNA positions 4821 to 4822, 2 bases deleted (TG; older notation c.4821_4822delTG).
Protein change: p.Glu1608fs; shifts the reading frame from glutamic acid 1608.
Molecular consequence: frameshift variant.
Genome position (GRCh38, 1-based): chr13:32,339,176-32,339,177, TG deleted. VCF-style (leftmost placement, unchanged base first): chr13-32339175-TTG-T. GRCh37 (hg19) VCF-style: chr13-32913312-TTG-T.
Other names: c.4821_4822delTG (NM_000059.3); short protein forms E1608fs.
Identifiers: ClinVar variation 254541 (VCV000254541.3), dbSNP rs769017108, ClinGen allele CA6940818.

ClinVar aggregate classification (germline): Pathogenic. Review status: reviewed by expert panel (3 of 4 stars). 2 submissions from 2 submitters: Pathogenic (1). 1 of the submissions does not count toward it. Last evaluated 2016-09-08.

Conditions:
Breast-ovarian cancer, familial, susceptibility to, 2 (BROVCA2). Also called: BRCA2 Hereditary Breast and Ovarian Cancer. Identifiers: Orphanet 145, MedGen C2675520, MONDO:0012933, OMIM 612555. Disease mechanism: loss of function.

Allele frequency attached by ClinVar (database versions not stated): gnomAD exomes below 0.00001 and 0.00001; ExAC 0.00001.

Submissions (2):

Evidence-based Network for the Interpretation of Germline Mutant Alleles (ENIGMA)
Classification: Pathogenic for Breast-ovarian cancer, familial, susceptibility to, 2. Last evaluated: 2016-09-08. Review status: reviewed by expert panel. Criteria: ENIGMA BRCA1/2 Classification Criteria (2015). Collection method: curation. Allele origin: germline.
Comment: Variant allele predicted to encode a truncated non-functional protein.

Human Genome Sequencing Center Clinical Lab, Baylor College of Medicine
Classification: Pathogenic for Familial breast-ovarian cancer 2. Last evaluated: 2019-08-20. Review status: criteria provided, single submitter. Criteria: ACMG Guidelines, 2015. Collection method: clinical testing. Allele origin: germline. Not counted in ClinVar's aggregate classification.
Comment: The c.4821_4822delTG (p.Glu1608AspfsTer6) variant in exon 11 of the BRCA2 gene results in a frameshift and an early stop codon that is predicted to cause nonsense-mediated mRNA decay, a known disease mechanism for this gene. This variant is observed in the gnomAD population databases at a very low frequency of 2/250076 and is considered pathogenic by the ENIGMA expert panel (ClinVar Accession: SCV000300787.2). This variant in BRCA2 is thus classified as pathogenic.